The following is an entry in ClinVar:

ClinVar aggregate classification (germline): Conflicting classifications of pathogenicity. Review status: criteria provided, conflicting classifications (1 of 4 stars). 2 submissions from 2 submitters: Uncertain significance (1); Likely benign (1). Last evaluated 2026-02-10.

Conditions:
DICER1-related tumor predisposition. Also called: DICER1 syndrome; DICER1-related pleuropulmonary blastoma cancer predisposition syndrome. Identifiers: Orphanet 284343, MedGen C3839822, MONDO:0100216.
Hereditary cancer-predisposing syndrome. Also called: Tumor predisposition; Neoplastic Syndromes, Hereditary; Hereditary Cancer Syndrome; Hereditary neoplastic syndrome. Identifiers: Orphanet 140162, MedGen C0027672, MeSH D009386, MONDO:0015356.

Allele frequency attached by ClinVar (database versions not stated): gnomAD exomes below 0.00001.
gnomAD v4.1: 3 of 1,606,182 alleles (0.00019%); highest among the groups gnomAD compares: South Asian, 0.0022%; no homozygotes.

Submissions (2):

Ambry Genetics
Classification: Uncertain significance for Hereditary cancer-predisposing syndrome. Last evaluated: 2026-02-10. Review status: criteria provided, single submitter. Criteria: Ambry Variant Classification Scheme 2023. Collection method: clinical testing. Allele origin: germline.
Comment: The c.2437-5C>G intronic variant results from a C to G substitution 5 nucleotides upstream from coding exon 15 in the DICER1 gene. This nucleotide position is not well conserved in available vertebrate species. In silico splice site analysis for this alteration is inconclusive. Based on the available evidence, the clinical significance of this variant remains unclear.

Labcorp Genetics (formerly Invitae), Labcorp
Classification: Likely benign for DICER1-related tumor predisposition. Last evaluated: 2024-08-05. Review status: criteria provided, single submitter. Criteria: Invitae Variant Classification Sherloc (09022015). Collection method: clinical testing. Allele origin: germline.

NM_177438.3(DICER1):c.2437-5C>G

Gene: DICER1 (dicer 1, ribonuclease III; minus strand). Cytogenetic location: 14q32.13.
Variant type: single nucleotide variant.
Coding change: c.2437-5C>G on transcript NM_177438.3 (MANE Select); 5 bases into the intron before coding-DNA position 2437, C replaced by G.
Molecular consequence: intron variant.
Genome position (GRCh38, 1-based): chr14:95,108,098, G>C on the plus strand (C>G on the coding strand, the complement: DICER1 is on the minus strand). VCF-style: chr14-95108098-G-C. GRCh37 (hg19) VCF-style: chr14-95574435-G-C.
Other names: c.2437-5C>G (NM_001291628.2, NM_030621.4, NM_001271282.3 and 1 more transcripts).
Identifiers: ClinVar variation 821273 (VCV000821273.16), dbSNP rs1595381000, ClinGen allele CA915946388.